The following is an entry in ClinVar:

ClinVar aggregate classification (germline): Uncertain significance (1 of 4 stars; one submission).

Conditions:
Cortical dysplasia-focal epilepsy syndrome (PTHSL1). Also called: Pitt-Hopkins-like syndrome 1. Identifiers: Orphanet 163681, Orphanet 221150, MedGen C2750246, MONDO:0012400, OMIM 610042.

Submission:

Labcorp Genetics (formerly Invitae), Labcorp
Classification: Uncertain significance for Cortical dysplasia-focal epilepsy syndrome. Last evaluated: 2024-04-15. Review status: criteria provided, single submitter. Criteria: Invitae Variant Classification Sherloc (09022015). Collection method: clinical testing. Allele origin: germline.
Comment: This sequence change replaces glycine, which is neutral and non-polar, with arginine, which is basic and polar, at codon 499 of the CNTNAP2 protein (p.Gly499Arg). This variant is not present in population databases (gnomAD no frequency). This variant has not been reported in the literature in individuals affected with CNTNAP2-related conditions. ClinVar contains an entry for this variant (Variation ID: 1014858). An algorithm developed to predict the effect of missense changes on protein structure and function (PolyPhen-2) suggests that this variant is likely to be disruptive. In summary, the available evidence is currently insufficient to determine the role of this variant in disease. Therefore, it has been classified as a Variant of Uncertain Significance.

NM_014141.6(CNTNAP2):c.1495G>A (p.Gly499Arg)

Gene: CNTNAP2 (contactin associated protein 2; plus strand). Cytogenetic location: 7q35.
Variant type: single nucleotide variant.
Coding change: c.1495G>A on transcript NM_014141.6 (MANE Select); coding-DNA position 1495, G replaced by A.
Protein change: p.Gly499Arg; replaces glycine 499 with arginine.
Molecular consequence: missense variant.
Genome position (GRCh38, 1-based): chr7:147,300,287, G>A. VCF-style: chr7-147300287-G-A. GRCh37 (hg19) VCF-style: chr7-146997379-G-A.
Other names: short protein forms G499R.
Identifiers: ClinVar variation 1014858 (VCV001014858.9), dbSNP rs1794919805, ClinGen allele CA369925347.